The following is an entry in ClinVar:

ClinVar aggregate classification (germline): Uncertain significance (1 of 4 stars; one submission).

Conditions:
Inborn genetic diseases. Identifiers: MedGen C0950123, MeSH D030342.

Submission:

Ambry Genetics
Classification: Uncertain significance for Inborn genetic diseases. Last evaluated: 2025-03-22. Review status: criteria provided, single submitter. Criteria: Ambry Variant Classification Scheme 2023. Collection method: clinical testing. Allele origin: germline.
Comment: The p.A462V variant (also known as c.1385C>T), located in coding exon 10 of the FANCG gene, results from a C to T substitution at nucleotide position 1385. The alanine at codon 462 is replaced by valine, an amino acid with similar properties. This amino acid position is conserved. In addition, this alteration is predicted to be tolerated by in silico analysis. Based on the available evidence, the clinical significance of this variant remains unclear.

NM_004629.2(FANCG):c.1385C>T (p.Ala462Val)

Gene: FANCG (FA complementation group G; minus strand). Cytogenetic location: 9p13.3.
Variant type: single nucleotide variant.
Coding change: c.1385C>T on transcript NM_004629.2 (MANE Select); coding-DNA position 1385, C replaced by T.
Protein change: p.Ala462Val; replaces alanine 462 with valine.
Molecular consequence: missense variant.
Genome position (GRCh38, 1-based): chr9:35,075,513, G>A on the plus strand (C>T on the coding strand, the complement: FANCG is on the minus strand). VCF-style: chr9-35075513-G-A. GRCh37 (hg19) VCF-style: chr9-35075510-G-A.
Other names: short protein forms A462V.
Identifiers: ClinVar variation 4022459 (VCV004022459.1).